The following is an entry in ClinVar:

NM_006231.4(POLE):c.4375G>T (p.Glu1459Ter)

Gene: POLE (DNA polymerase epsilon, catalytic subunit; minus strand). Cytogenetic location: 12q24.33.
Variant type: single nucleotide variant.
Coding change: c.4375G>T on transcript NM_006231.4 (MANE Select); coding-DNA position 4375, G replaced by T.
Protein change: p.Glu1459Ter; replaces glutamic acid 1459 with a stop codon.
Molecular consequence: nonsense.
Genome position (GRCh38, 1-based): chr12:132,643,476, C>A on the plus strand (G>T on the coding strand, the complement: POLE is on the minus strand). VCF-style: chr12-132643476-C-A. GRCh37 (hg19) VCF-style: chr12-133220062-C-A.
Other names: c.4375G>T (NM_006231.2); short protein forms E1459*.
Identifiers: ClinVar variation 1050781 (VCV001050781.7), dbSNP rs778238908, ClinGen allele CA387381227.
Genomic context (GRCh38, chr12:132,643,476, plus strand): 5'-GGTAGCTGAACTGGGCCAGAGAGCGCATCTCCAGGTGCTCAAGAGCAAAGGTCTCTGCTT[C>A]CCAGCCTGAAAGGTGCCTCACCAGCTGTTTATTGACCACACACACACAGCCCAGGTGCAC-3'

ClinVar aggregate classification (germline): Conflicting classifications of pathogenicity. Review status: criteria provided, conflicting classifications (1 of 4 stars). 5 submissions from 4 submitters: Pathogenic (1); Likely pathogenic (1); Uncertain significance (1). 2 of the submissions do not count toward it. Last evaluated 2025-09-26.

Conditions:
Colorectal cancer, susceptibility to, 12 (CRCS12). Also called: COLORECTAL CANCER, SUSCEPTIBILITY TO, ON CHROMOSOME 12q24. Identifiers: Orphanet 220460, MedGen C3554460, MONDO:0014038, OMIM 615083.
Carcinoma of colon (CRC). Also called: Colonic carcinoma; Colon carcinoma. Identifiers: MedGen C0699790, MONDO:0002032.
Hereditary cancer-predisposing syndrome. Also called: Hereditary Cancer Syndrome; Hereditary neoplastic syndrome; Tumor predisposition; Neoplastic Syndromes, Hereditary. Identifiers: Orphanet 140162, MedGen C0027672, MeSH D009386, MONDO:0015356.
Intrauterine growth retardation, metaphyseal dysplasia, adrenal hypoplasia congenita, genital anomalies, and immunodeficiency. Also called: IMAGEI SYNDROME. Identifiers: MedGen C5193036, MONDO:0032684, OMIM 618336.
Facial dysmorphism-immunodeficiency-livedo-short stature syndrome. Also called: FILS syndrome; Facial dysmorphism, immunodeficiency, livedo, and short stature. Identifiers: Orphanet 352712, MedGen C3554576, MONDO:0014058, OMIM 615139.

Submissions (5):

Ambry Genetics
Classification: Uncertain significance for Hereditary cancer-predisposing syndrome. Last evaluated: 2025-09-26. Review status: criteria provided, single submitter. Criteria: Ambry Variant Classification Scheme 2023. Collection method: clinical testing. Allele origin: germline.
Comment: The p.E1459* variant (also known as c.4375G>T), located in coding exon 34 of the POLE gene, results from a G to T substitution at nucleotide position 4375. This changes the amino acid from a glutamic acid to a stop codon within coding exon 34. Although biallelic loss of function of POLE has been associated with autosomal recessive POLE deficiency, haploinsufficiency of POLE has not been established as a mechanism of disease for POLE-related polymerase proofreading-associated polyposis (PPAP) and POLE-related CMMRD-like syndrome. Based on the supporting evidence, this variant is expected to be causative of POLE deficiency when present along with a second pathogenic variant on the other allele; however, its clinical significance for PPAP and POLE-related CMMRD-like syndrome is unclear.

Labcorp Genetics (formerly Invitae), Labcorp
Classification: Pathogenic. Last evaluated: 2024-07-03. Review status: criteria provided, single submitter. Criteria: Invitae Variant Classification Sherloc (09022015). Collection method: clinical testing. Allele origin: germline.
Comment: This sequence change creates a premature translational stop signal (p.Glu1459*) in the POLE gene. It is expected to result in an absent or disrupted protein product. Loss-of-function variants in POLE are known to be pathogenic (PMID: 23230001, 25948378, 30503519). This variant is not present in population databases (gnomAD no frequency). This variant has not been reported in the literature in individuals affected with POLE-related conditions. ClinVar contains an entry for this variant (Variation ID: 1050781). Algorithms developed to predict the effect of sequence changes on RNA splicing suggest that this variant may disrupt the consensus splice site. For these reasons, this variant has been classified as Pathogenic.

Dr. med. U. Finckh, Human Genetics, Eurofins MVZ
Classification: Likely pathogenic for Facial dysmorphism-immunodeficiency-livedo-short stature syndrome; Intrauterine growth retardation, metaphyseal dysplasia, adrenal hypoplasia congenita, genital anomalies, and immunodeficiency. Last evaluated: 2023-01-01. Review status: criteria provided, single submitter. Criteria: ACMG Guidelines, 2015. Collection method: clinical testing. Allele origin: unknown. Affected: no.
Comment: The pathogenic relevance of POLE loss of function variants is unclear for dominant tumor predispostion but is established for recessive FILS and IMAGE-I syndrome.

Department of Pathology and Laboratory Medicine, Sinai Health System
Classification: Pathogenic for Carcinoma of colon. Review status: no assertion criteria provided. Collection method: clinical testing. Allele origin: unknown. Affected: yes. Study: The Canadian Open Genetics Repository (COGR). Not counted in ClinVar's aggregate classification.
Comment: The POLE p.Glu1459* variant was not identified in the literature nor was it identified in the following databases: dbSNP, ClinVar, Cosmic, the Exome Aggregation Consortium (August 8th 2016), or the Genome Aggregation Database (Feb 27, 2017). The p.Glu1459* variant leads to a premature stop codon at position 1459, which is predicted to lead to a truncated or absent protein and loss of function. Loss of function variants of the POLE gene are the type of variant expected to cause the disorder. In summary, based on the above information this variant meets our laboratoryâ€šÃ„Ã´s criteria to be classified as pathogenic.

Dr. med. U. Finckh, Human Genetics, Eurofins MVZ
Classification: Uncertain significance for Colorectal cancer, susceptibility to, 12. Review status: flagged submission. Criteria: ACMG Guidelines, 2015. Collection method: clinical testing. Allele origin: unknown. Not counted in ClinVar's aggregate classification.
Comment: the same text as in the submission from Dr. med. U. Finckh, Human Genetics, Eurofins MVZ above.
ClinVar note: Notes: Submitter also calls the variant likely pathogenic for another condition, which agrees with the two other labs about the variant.
ClinVar note: Reason: Unnecessary conflicting claim for distinct condition when other classifications are more relevant

Literature cited by the submitters: PubMed 23230001 (cited by Labcorp Genetics (formerly Invitae), Labcorp); PubMed 25948378 (cited by Labcorp Genetics (formerly Invitae), Labcorp); PubMed 30503519 (cited by Labcorp Genetics (formerly Invitae), Labcorp).